The following is an entry in ClinVar:

NM_020778.5(ALPK3):c.1638C>G (p.His546Gln)

Genes: ALPK3 (alpha kinase 3; plus strand), LOC111718493 (skeletal muscle cis-regulatory module overlapping ALPK3; plus strand). Cytogenetic location: 15q25.3.
Variant type: single nucleotide variant.
Coding change: c.1638C>G on transcript NM_020778.5 (MANE Select); coding-DNA position 1638, C replaced by G.
Protein change: p.His546Gln; replaces histidine 546 with glutamine.
Molecular consequence: missense variant.
Genome position (GRCh38, 1-based): chr15:84,840,917, C>G. VCF-style: chr15-84840917-C-G. GRCh37 (hg19) VCF-style: chr15-85384148-C-G.
Other names: short protein forms H546Q.
Identifiers: ClinVar variation 3227455 (VCV003227455.1), dbSNP rs1288440511, ClinGen allele CA393376213.

ClinVar aggregate classification (germline): Uncertain significance (1 of 4 stars; one submission).

Conditions:
Cardiovascular phenotype. Identifiers: MedGen CN230736.

gnomAD v4.1: 1 of 1,598,840 alleles (0.000063%); highest among the groups gnomAD compares: South Asian, 0.0011%; no homozygotes.

Submission:

Ambry Genetics
Classification: Uncertain significance for Cardiovascular phenotype. Last evaluated: 2022-12-11. Review status: criteria provided, single submitter. Criteria: Ambry Variant Classification Scheme 2023. Collection method: clinical testing. Allele origin: germline.
Comment: The p.H748Q variant (also known as c.2244C>G), located in coding exon 5 of the ALPK3 gene, results from a C to G substitution at nucleotide position 2244. The histidine at codon 748 is replaced by glutamine, an amino acid with highly similar properties. This amino acid position is conserved. In addition, this alteration is predicted to be tolerated by in silico analysis. Since supporting evidence is limited at this time, the clinical significance of this alteration remains unclear.